The following is an entry in ClinVar:

NM_138459.5(NUS1):c.202C>T (p.His68Tyr)

Gene: NUS1 (NUS1 dehydrodolichyl diphosphate synthase subunit; plus strand). Cytogenetic location: 6q22.1.
Variant type: single nucleotide variant.
Coding change: c.202C>T on transcript NM_138459.5 (MANE Select); coding-DNA position 202, C replaced by T.
Protein change: p.His68Tyr; replaces histidine 68 with tyrosine.
Molecular consequence: missense variant.
Genome position (GRCh38, 1-based): chr6:117,675,872, C>T. VCF-style: chr6-117675872-C-T. GRCh37 (hg19) VCF-style: chr6-117997035-C-T.
Other names: short protein forms H68Y.
Identifiers: ClinVar variation 1385242 (VCV001385242.6), dbSNP rs1392977734, ClinGen allele CA365536107.

ClinVar aggregate classification (germline): Uncertain significance (1 of 4 stars; one submission).

Conditions:
Congenital disorder of glycosylation, type Iaa. Also called: Congenital disorder of glycosylation, type 1aa. Identifiers: MedGen C4310727, MONDO:0014904, OMIM 617082.

Allele frequency attached by ClinVar (database versions not stated): gnomAD exomes 0.00001.

Submission:

Labcorp Genetics (formerly Invitae), Labcorp
Classification: Uncertain significance for Congenital disorder of glycosylation, type Iaa. Last evaluated: 2022-08-16. Review status: criteria provided, single submitter. Criteria: Invitae Variant Classification Sherloc (09022015). Collection method: clinical testing. Allele origin: germline.
Comment: This sequence change replaces histidine, which is basic and polar, with tyrosine, which is neutral and polar, at codon 68 of the NUS1 protein (p.His68Tyr). In summary, the available evidence is currently insufficient to determine the role of this variant in disease. Therefore, it has been classified as a Variant of Uncertain Significance. Algorithms developed to predict the effect of missense changes on protein structure and function (SIFT, PolyPhen-2, Align-GVGD) all suggest that this variant is likely to be tolerated. ClinVar contains an entry for this variant (Variation ID: 1385242). This variant has not been reported in the literature in individuals affected with NUS1-related conditions. This variant is present in population databases (no rsID available, gnomAD 0.002%).